The following is an entry in ClinVar:

NM_006767.4(LZTR1):c.1309T>C (p.Trp437Arg)

Gene: LZTR1 (leucine zipper like post translational regulator 1; plus strand). Cytogenetic location: 22q11.21.
Variant type: single nucleotide variant.
Coding change: c.1309T>C on transcript NM_006767.4 (MANE Select); coding-DNA position 1309, T replaced by C.
Protein change: p.Trp437Arg; replaces tryptophan 437 with arginine.
Molecular consequence: missense variant.
Genome position (GRCh38, 1-based): chr22:20,993,710, T>C. VCF-style: chr22-20993710-T-C. GRCh37 (hg19) VCF-style: chr22-21347999-T-C.
Other names: short protein forms W437R.
Identifiers: ClinVar variation 4101825 (VCV004101825.2).

ClinVar aggregate classification (germline): Uncertain significance. Review status: criteria provided, multiple submitters, no conflicts (2 of 4 stars). 2 submissions from 2 submitters: Uncertain significance (2). Last evaluated 2025-08-17.

Conditions:
Cardiovascular phenotype. Identifiers: MedGen CN230736.
Hereditary cancer-predisposing syndrome. Also called: Tumor predisposition; Neoplastic Syndromes, Hereditary; Hereditary neoplastic syndrome; Hereditary Cancer Syndrome. Identifiers: Orphanet 140162, MedGen C0027672, MeSH D009386, MONDO:0015356.

gnomAD v4.1: 1 of 1,613,422 alleles (0.000062%); highest among the groups gnomAD compares: Non-Finnish European, 0.000085%; no homozygotes.

Submissions (2):

Labcorp Genetics (formerly Invitae), Labcorp
Classification: Uncertain significance. Last evaluated: 2025-08-17. Review status: criteria provided, single submitter. Criteria: Invitae Variant Classification Sherloc (09022015). Collection method: clinical testing. Allele origin: germline.
Comment: This sequence change replaces tryptophan, which is neutral and slightly polar, with arginine, which is basic and polar, at codon 437 of the LZTR1 protein (p.Trp437Arg). This variant is not present in population databases (gnomAD no frequency). This variant has not been reported in the literature in individuals affected with LZTR1-related conditions. Invitae Evidence Modeling of protein sequence and biophysical properties (such as structural, functional, and spatial information, amino acid conservation, physicochemical variation, residue mobility, and thermodynamic stability) indicates that this missense variant is not expected to disrupt LZTR1 protein function with a negative predictive value of 80%. In summary, the available evidence is currently insufficient to determine the role of this variant in disease. Therefore, it has been classified as a Variant of Uncertain Significance.

Ambry Genetics
Classification: Uncertain significance for Cardiovascular phenotype; Hereditary cancer-predisposing syndrome. Last evaluated: 2025-07-01. Review status: criteria provided, single submitter. Criteria: Ambry Variant Classification Scheme 2023. Collection method: clinical testing. Allele origin: germline.
Comment: The p.W437R variant (also known as c.1309T>C), located in coding exon 12 of the LZTR1 gene, results from a T to C substitution at nucleotide position 1309. The tryptophan at codon 437 is replaced by arginine, an amino acid with dissimilar properties. This amino acid position is conserved. In addition, this alteration is predicted to be deleterious by in silico analysis. Based on the available evidence, the clinical significance of this variant remains unclear.